The following is an entry in ClinVar:

NM_020347.4(LZTFL1):c.323+6A>C

Gene: LZTFL1 (leucine zipper transcription factor like 1; minus strand). Cytogenetic location: 3p21.31.
Variant type: single nucleotide variant.
Coding change: c.323+6A>C on transcript NM_020347.4 (MANE Select); 6 bases into the intron after coding-DNA position 323, A replaced by C.
Molecular consequence: intron variant.
Genome position (GRCh38, 1-based): chr3:45,835,584, T>G on the plus strand (A>C on the coding strand, the complement: LZTFL1 is on the minus strand). VCF-style: chr3-45835584-T-G. GRCh37 (hg19) VCF-style: chr3-45877076-T-G.
Other names: c.347+6A>C (NM_001405925.1, NM_001405920.1); c.311+6A>C (NM_001276379.2, NM_001405921.1); c.272+6A>C (NM_001405927.1, NM_001276378.2, NM_001405926.1 and 4 more transcripts); c.323+6A>C (NM_001405924.1, NM_001386452.1).
Identifiers: ClinVar variation 3352787 (VCV003352787.2).

ClinVar aggregate classification (germline): Uncertain significance. Review status: criteria provided, single submitter (1 of 4 stars). 2 submissions from 2 submitters: Uncertain significance (1). 1 of the submissions does not count toward it. Last evaluated 2024-04-15.

Conditions:
Bardet-Biedl syndrome 17 (BBS17). Identifiers: Orphanet 110, MedGen C3714980, MONDO:0014445, OMIM 615994.
LZTFL1-related disorder. Also called: LZTFL1-related condition.

gnomAD v4.1: 3 of 1,613,434 alleles (0.00019%); highest among the groups gnomAD compares: Admixed American, 0.0033%; 1 homozygote.

Submissions (2):

Fulgent Genetics
Classification: Uncertain significance for Bardet-Biedl syndrome 17. Last evaluated: 2024-04-15. Review status: criteria provided, single submitter. Criteria: ACMG Guidelines, 2015. Collection method: clinical testing. Allele origin: germline.

PreventionGenetics, part of Exact Sciences
Classification: Likely benign for LZTFL1-related condition. Last evaluated: 2022-04-08. Review status: no assertion criteria provided. Collection method: clinical testing. Allele origin: germline. Not counted in ClinVar's aggregate classification.
Comment: This variant is classified as likely benign based on ACMG/AMP sequence variant interpretation guidelines (Richards et al. 2015 PMID: 25741868, with internal and published modifications).